The following is an entry in ClinVar:

ClinVar aggregate classification (germline): Uncertain significance (1 of 4 stars; one submission).

Conditions:
Hereditary cancer-predisposing syndrome. Also called: Neoplastic Syndromes, Hereditary; Hereditary Cancer Syndrome; Hereditary neoplastic syndrome; Tumor predisposition. Identifiers: Orphanet 140162, MedGen C0027672, MeSH D009386, MONDO:0015356.

Submission:

Ambry Genetics
Classification: Uncertain significance for Hereditary cancer-predisposing syndrome. Last evaluated: 2023-05-04. Review status: criteria provided, single submitter. Criteria: Ambry Variant Classification Scheme 2023. Collection method: clinical testing. Allele origin: germline.
Comment: The p.N281Y variant (also known as c.841A>T), located in coding exon 6 of the CHEK2 gene, results from an A to T substitution at nucleotide position 841. The asparagine at codon 281 is replaced by tyrosine, an amino acid with dissimilar properties. This amino acid position is conserved. In addition, this alteration is predicted to be tolerated by in silico analysis. Since supporting evidence is limited at this time, the clinical significance of this alteration remains unclear.

NM_007194.4(CHEK2):c.841A>T (p.Asn281Tyr)

Gene: CHEK2 (checkpoint kinase 2; minus strand). Cytogenetic location: 22q12.1.
Variant type: single nucleotide variant.
Coding change: c.841A>T on transcript NM_007194.4 (MANE Select); coding-DNA position 841, A replaced by T.
Protein change: p.Asn281Tyr; replaces asparagine 281 with tyrosine.
Molecular consequence: missense variant.
Genome position (GRCh38, 1-based): chr22:28,710,011, T>A on the plus strand (A>T on the coding strand, the complement: CHEK2 is on the minus strand). VCF-style: chr22-28710011-T-A. GRCh37 (hg19) VCF-style: chr22-29105999-T-A.
Other names: c.970A>T, p.Asn324Tyr (NM_001005735.3); c.178A>T, p.Asn60Tyr (NM_001257387.3); c.640A>T, p.Asn214Tyr (NM_001349956.3); c.841A>T, p.Asn281Tyr (NM_145862.3); short protein forms N324Y, N281Y, N214Y, N60Y.
Identifiers: ClinVar variation 2562253 (VCV002562253.2), dbSNP rs2145932597, ClinGen allele CA411102282.